The following is an entry in ClinVar:

ClinVar aggregate classification (germline): Uncertain significance (1 of 4 stars; one submission).

Allele frequency attached by ClinVar (database versions not stated): gnomAD 0.00003 and 0.00005; gnomAD exomes 0.00004 and 0.00008; TOPMed 0.00009; ExAC 0.00013; 1000 Genomes Project 30x 0.00031; 1000 Genomes Project 0.00040.
gnomAD v4.1: 61 of 1,614,146 alleles (0.0038%); highest among the groups gnomAD compares: East Asian, 0.087%; no homozygotes.

Submission:

GeneDx
Classification: Uncertain significance. Last evaluated: 2021-01-11. Review status: criteria provided, single submitter. Criteria: GeneDx Variant Classification Process June 2021. Collection method: clinical testing. Allele origin: germline. Affected: yes.
Comment: In silico analysis supports that this missense variant does not alter protein structure/function; Has not been previously published as pathogenic or benign to our knowledge

NM_001077446.4(TSEN34):c.461A>C (p.Gln154Pro)

Gene: TSEN34 (tRNA splicing endonuclease subunit 34; plus strand). Cytogenetic location: 19q13.42.
Variant type: single nucleotide variant.
Coding change: c.461A>C on transcript NM_001077446.4 (MANE Select); coding-DNA position 461, A replaced by C.
Protein change: p.Gln154Pro; replaces glutamine 154 with proline.
Molecular consequence: missense variant.
Genome position (GRCh38, 1-based): chr19:54,191,938, A>C. VCF-style: chr19-54191938-A-C. GRCh37 (hg19) VCF-style: chr19-54695789-A-C.
Other names: c.461A>C, p.Gln154Pro (NM_001282332.2, NM_001282333.2, NM_001386740.1 and 1 more transcripts); short protein forms Q154P.
Identifiers: ClinVar variation 1313810 (VCV001313810.2), dbSNP rs142185185, ClinGen allele CA309374099.